The following is an entry in ClinVar:

ClinVar aggregate classification (germline): Conflicting classifications of pathogenicity. Review status: criteria provided, conflicting classifications (1 of 4 stars). 2 submissions from 2 submitters: Uncertain significance (1); Likely benign (1). Last evaluated 2022-07-08.

Conditions:
Cardiovascular phenotype. Identifiers: MedGen CN230736.

Allele frequency attached by ClinVar (database versions not stated): gnomAD 0.00001; TOPMed 0.00002.
gnomAD v4.1: 57 of 1,612,486 alleles (0.0035%); highest among the groups gnomAD compares: Non-Finnish European, 0.0044%; no homozygotes.

Submissions (2):

Ambry Genetics
Classification: Likely benign for Cardiovascular phenotype. Last evaluated: 2022-07-08. Review status: criteria provided, single submitter. Criteria: Ambry Variant Classification Scheme 2023. Collection method: clinical testing. Allele origin: germline.

Labcorp Genetics (formerly Invitae), Labcorp
Classification: Uncertain significance. Last evaluated: 2022-01-14. Review status: criteria provided, single submitter. Criteria: Invitae Variant Classification Sherloc (09022015). Collection method: clinical testing. Allele origin: germline.
Comment: Advanced modeling of protein sequence and biophysical properties (such as structural, functional, and spatial information, amino acid conservation, physicochemical variation, residue mobility, and thermodynamic stability) performed at Invitae indicates that this missense variant is not expected to disrupt ABCA1 protein function. This variant has not been reported in the literature in individuals affected with ABCA1-related conditions. This variant is present in population databases (rs776042207, gnomAD 0.004%). This sequence change replaces aspartic acid, which is acidic and polar, with asparagine, which is neutral and polar, at codon 1793 of the ABCA1 protein (p.Asp1793Asn). In summary, the available evidence is currently insufficient to determine the role of this variant in disease. Therefore, it has been classified as a Variant of Uncertain Significance.

NM_005502.4(ABCA1):c.5377G>A (p.Asp1793Asn)

Gene: ABCA1 (ATP binding cassette subfamily A member 1; minus strand). Cytogenetic location: 9q31.1.
Variant type: single nucleotide variant.
Coding change: c.5377G>A on transcript NM_005502.4 (MANE Select); coding-DNA position 5377, G replaced by A.
Protein change: p.Asp1793Asn; replaces aspartic acid 1793 with asparagine.
Molecular consequence: missense variant.
Genome position (GRCh38, 1-based): chr9:104,796,058, C>T on the plus strand (G>A on the coding strand, the complement: ABCA1 is on the minus strand). VCF-style: chr9-104796058-C-T. GRCh37 (hg19) VCF-style: chr9-107558339-C-T.
Other names: short protein forms D1793N.
Identifiers: ClinVar variation 1747131 (VCV001747131.5), dbSNP rs776042207, ClinGen allele CA197359610.
Genomic context (GRCh38, chr9:104,796,058, plus strand): 5'-CTCTGGCTCCCAGAGATGCTCATCCCAGCAGGAGTGTTCTCTCTGCATGACTCACATTGT[C>T]GGTGAACAGCTCCAGCACAAAGGTGGCCACGCTGCCATTAATGCCAATGAAGAGGTTCAC-3'
Protein context (NP_005493.2, residues 1783-1803): VATFVLELFT[Asp1793Asn]NKLNNINDIL